The following is an entry in ClinVar:

ClinVar aggregate classification (germline): Uncertain significance (1 of 4 stars; one submission).

Submission:

Labcorp Genetics (formerly Invitae), Labcorp
Classification: Uncertain significance. Last evaluated: 2022-09-01. Review status: criteria provided, single submitter. Criteria: Invitae Variant Classification Sherloc (09022015). Collection method: clinical testing. Allele origin: germline.
Comment: This variant has not been reported in the literature in individuals affected with AHR-related conditions. In summary, the available evidence is currently insufficient to determine the role of this variant in disease. Therefore, it has been classified as a Variant of Uncertain Significance. Algorithms developed to predict the effect of sequence changes on RNA splicing suggest that this variant may create or strengthen a splice site. Algorithms developed to predict the effect of missense changes on protein structure and function are either unavailable or do not agree on the potential impact of this missense change (SIFT: "Deleterious"; PolyPhen-2: "Probably Damaging"; Align-GVGD: "Class C0"). This variant is not present in population databases (gnomAD no frequency). This sequence change replaces lysine, which is basic and polar, with glutamic acid, which is acidic and polar, at codon 356 of the AHR protein (p.Lys356Glu).

NM_001621.5(AHR):c.1066A>G (p.Lys356Glu)

Gene: AHR (aryl hydrocarbon receptor; plus strand). Cytogenetic location: 7p21.1.
Variant type: single nucleotide variant.
Coding change: c.1066A>G on transcript NM_001621.5 (MANE Select); coding-DNA position 1066, A replaced by G.
Protein change: p.Lys356Glu; replaces lysine 356 with glutamic acid.
Molecular consequence: missense variant.
Genome position (GRCh38, 1-based): chr7:17,335,692, A>G. VCF-style: chr7-17335692-A-G. GRCh37 (hg19) VCF-style: chr7-17375316-A-G.
Other names: short protein forms K356E.
Identifiers: ClinVar variation 2080790 (VCV002080790.4), dbSNP rs2534443643, ClinGen allele CA366892759.